The following is an entry in ClinVar:

ClinVar aggregate classification (germline): Uncertain significance (1 of 4 stars; one submission).

Conditions:
Hereditary spastic paraplegia 8 (SPG8). Also called: SPASTIC PARAPLEGIA 8, AUTOSOMAL DOMINANT. Identifiers: Orphanet 100989, MedGen C1863704, MONDO:0011339, OMIM 603563.
Ritscher-Schinzel syndrome. Also called: CRANIOCEREBELLOCARDIAC DYSPLASIA. Identifiers: Orphanet 7, MedGen C0796137, MONDO:0019078.

Allele frequency attached by ClinVar (database versions not stated): gnomAD exomes below 0.00001; TOPMed below 0.00001.
gnomAD v4.1: 1 of 1,614,136 alleles (0.000062%); highest among the groups gnomAD compares: South Asian, 0.0011%; no homozygotes.

Submission:

Labcorp Genetics (formerly Invitae), Labcorp
Classification: Uncertain significance for Ritscher-Schinzel syndrome; Hereditary spastic paraplegia 8. Last evaluated: 2022-09-22. Review status: criteria provided, single submitter. Criteria: Invitae Variant Classification Sherloc (09022015). Collection method: clinical testing. Allele origin: germline.
Comment: This sequence change replaces serine, which is neutral and polar, with glycine, which is neutral and non-polar, at codon 858 of the WASHC5 protein (p.Ser858Gly). This variant is present in population databases (no rsID available, gnomAD 0.003%). This variant has not been reported in the literature in individuals affected with WASHC5-related conditions. Advanced modeling of protein sequence and biophysical properties (such as structural, functional, and spatial information, amino acid conservation, physicochemical variation, residue mobility, and thermodynamic stability) performed at Invitae indicates that this missense variant is not expected to disrupt WASHC5 protein function. In summary, the available evidence is currently insufficient to determine the role of this variant in disease. Therefore, it has been classified as a Variant of Uncertain Significance.

NM_014846.4(WASHC5):c.2572A>G (p.Ser858Gly)

Genes: WASHC5 (WASH complex subunit 5; minus strand), WASHC5-AS1 (WASHC5 antisense RNA 1; plus strand). Cytogenetic location: 8q24.13.
Variant type: single nucleotide variant.
Coding change: c.2572A>G on transcript NM_014846.4 (MANE Select); coding-DNA position 2572, A replaced by G.
Protein change: p.Ser858Gly; replaces serine 858 with glycine.
Molecular consequence: missense variant. On other transcripts: non-coding transcript variant (1).
Genome position (GRCh38, 1-based): chr8:125,044,631, T>C on the plus strand (A>G on the coding strand, the complement: WASHC5 is on the minus strand). VCF-style: chr8-125044631-T-C. GRCh37 (hg19) VCF-style: chr8-126056873-T-C.
Other names: c.2128A>G, p.Ser710Gly (NM_001330609.2); short protein forms S710G, S858G.
Identifiers: ClinVar variation 1944782 (VCV001944782.5), dbSNP rs1325048284, ClinGen allele CA372188514.
Genomic context (GRCh38, chr8:125,044,631, plus strand): 5'-TGTCTAAGCCATTTAGACCAAAGGTTCCCAAGGTGGTCTGGATTTCTGAGAAGAGGCGGC[T>C]GCTGGTCACTTCCTGATGAGTTTTCATATCATACCAAGTGTTCAGCTGGTCTATGTGACA-3'
Protein context (NP_055661.3, residues 848-868): DMKTHQEVTS[Ser858Gly]RLFSEIQTTL